The following is an entry in ClinVar:

ClinVar aggregate classification (germline): Uncertain significance (1 of 4 stars; one submission).

Conditions:
Baller-Gerold syndrome (BGS). Also called: CRANIOSYNOSTOSIS WITH RADIAL DEFECTS. Identifiers: Orphanet 1225, MedGen C0265308, MONDO:0009039, OMIM 218600.

Allele frequency attached by ClinVar (database versions not stated): gnomAD exomes below 0.00001; ExAC 0.00001.
gnomAD v4.1: 4 of 1,609,848 alleles (0.00025%); highest among the groups gnomAD compares: South Asian, 0.0011%; no homozygotes.

Submission:

Labcorp Genetics (formerly Invitae), Labcorp
Classification: Uncertain significance for Baller-Gerold syndrome. Last evaluated: 2019-11-13. Review status: criteria provided, single submitter. Criteria: Invitae Variant Classification Sherloc (09022015). Collection method: clinical testing. Allele origin: germline.
Comment: This sequence change replaces alanine with threonine at codon 741 of the RECQL4 protein (p.Ala741Thr). The alanine residue is highly conserved and there is a small physicochemical difference between alanine and threonine. The frequency data for this variant in the population databases is considered unreliable, as metrics indicate poor data quality at this position in the ExAC database. This variant has been observed in an individual with clinical features of Rothmundâ€šÃ„Ã¬Thomson syndrome (PMID: 18616953). Algorithms developed to predict the effect of missense changes on protein structure and function (SIFT, PolyPhen-2, Align-GVGD) all suggest that this variant is likely to be disruptive, but these predictions have not been confirmed by published functional studies and their clinical significance is uncertain. In summary, the available evidence is currently insufficient to determine the role of this variant in disease. Therefore, it has been classified as a Variant of Uncertain Significance.

Literature cited by the submitters: PubMed 18616953.

NM_004260.4(RECQL4):c.2221G>A (p.Ala741Thr)

Gene: RECQL4 (RecQ like helicase 4; minus strand). Cytogenetic location: 8q24.3.
Variant type: single nucleotide variant.
Coding change: c.2221G>A on transcript NM_004260.4 (MANE Select); coding-DNA position 2221, G replaced by A.
Protein change: p.Ala741Thr; replaces alanine 741 with threonine.
Molecular consequence: missense variant.
Genome position (GRCh38, 1-based): chr8:144,513,460, C>T on the plus strand (G>A on the coding strand, the complement: RECQL4 is on the minus strand). VCF-style: chr8-144513460-C-T. GRCh37 (hg19) VCF-style: chr8-145738844-C-T.
Other names: short protein forms A741T.
Identifiers: ClinVar variation 663565 (VCV000663565.3), dbSNP rs748933048, ClinGen allele CA4948379.
Genomic context (GRCh38, chr8:144,513,460, plus strand): 5'-TGAAGGCTCGCTGTACCCGCCGCCGTTCCCGGCTGCACATGCCCGCGTGGTAGGCCTCGG[C>T]TGTGGTTTTGGGGGCACGACCTTTGGGGAAGACAGGCAGATGGTCAGTGGGATGGGACCA-3'
Protein context (NP_004251.4, residues 731-751): GSGGRAPKTT[Ala741Thr]EAYHAGMCSR